The following is an entry in ClinVar:

ClinVar aggregate classification (germline): Uncertain significance (1 of 4 stars; one submission).

Submission:

Labcorp Genetics (formerly Invitae), Labcorp
Classification: Uncertain significance. Last evaluated: 2022-05-11. Review status: criteria provided, single submitter. Criteria: Invitae Variant Classification Sherloc (09022015). Collection method: clinical testing. Allele origin: germline.
Comment: In summary, the available evidence is currently insufficient to determine the role of this variant in disease. Therefore, it has been classified as a Variant of Uncertain Significance. Algorithms developed to predict the effect of missense changes on protein structure and function (SIFT, PolyPhen-2, Align-GVGD) all suggest that this variant is likely to be tolerated. This variant has not been reported in the literature in individuals affected with KMT2A-related conditions. This variant is not present in population databases (gnomAD no frequency). This sequence change replaces proline, which is neutral and non-polar, with serine, which is neutral and polar, at codon 1332 of the KMT2A protein (p.Pro1332Ser).

NM_001197104.2(KMT2A):c.3994C>T (p.Pro1332Ser)

Gene: KMT2A (lysine methyltransferase 2A; plus strand). Cytogenetic location: 11q23.3.
Variant type: single nucleotide variant.
Coding change: c.3994C>T on transcript NM_001197104.2 (MANE Select); coding-DNA position 3994, C replaced by T.
Protein change: p.Pro1332Ser; replaces proline 1332 with serine.
Molecular consequence: missense variant.
Genome position (GRCh38, 1-based): chr11:118,482,074, C>T. VCF-style: chr11-118482074-C-T. GRCh37 (hg19) VCF-style: chr11-118352789-C-T.
Other names: c.4093C>T, p.Pro1365Ser (NM_001412597.1); c.3994C>T, p.Pro1332Ser (NM_005933.4); short protein forms P1365S, P1332S.
Identifiers: ClinVar variation 1919015 (VCV001919015.5), dbSNP rs2134301904, ClinGen allele CA382828631.